The following is an entry in ClinVar:

NM_001374353.1(GLI2):c.4519T>G (p.Leu1507Val)

Gene: GLI2 (GLI family zinc finger 2; plus strand). Cytogenetic location: 2q14.2.
Variant type: single nucleotide variant.
Coding change: c.4519T>G on transcript NM_001374353.1 (MANE Select); coding-DNA position 4519, T replaced by G.
Protein change: p.Leu1507Val; replaces leucine 1507 with valine.
Molecular consequence: missense variant.
Genome position (GRCh38, 1-based): chr2:120,990,484, T>G. VCF-style: chr2-120990484-T-G. GRCh37 (hg19) VCF-style: chr2-121748060-T-G.
Other names: c.4570T>G, p.Leu1524Val (NM_001371271.1, NM_005270.5); c.4144T>G, p.Leu1382Val (NM_001374354.1); short protein forms L1382V, L1507V, L1524V.
Identifiers: ClinVar variation 3360447 (VCV003360447.1).

ClinVar aggregate classification (germline): Uncertain significance (1 of 4 stars; one submission).

Submission:

GeneDx
Classification: Uncertain significance. Last evaluated: 2023-06-25. Review status: criteria provided, single submitter. Criteria: GeneDx Variant Classification Process June 2021. Collection method: clinical testing. Allele origin: germline. Affected: yes.
Comment: Not observed at significant frequency in large population cohorts (gnomAD); In silico analysis supports that this missense variant does not alter protein structure/function; Has not been previously published as pathogenic or benign to our knowledge